The following is an entry in ClinVar:

ClinVar aggregate classification (germline): Uncertain significance (1 of 4 stars; one submission).

Submission:

CeGaT Center for Human Genetics Tuebingen
Classification: Uncertain significance. Last evaluated: 2023-08-01. Review status: criteria provided, single submitter. Criteria: CeGaT Center For Human Genetics Tuebingen Variant Classification Criteria Version 2. Collection method: clinical testing. Allele origin: germline. Affected: yes. Observed: 1 variant allele.
Comment: SLC4A1: PM2, BP4

NM_000342.4(SLC4A1):c.277G>A (p.Ala93Thr)

Gene: SLC4A1 (solute carrier family 4 member 1 (Diego blood group); minus strand). Cytogenetic location: 17q21.31.
Variant type: single nucleotide variant.
Coding change: c.277G>A on transcript NM_000342.4 (MANE Select); coding-DNA position 277, G replaced by A.
Protein change: p.Ala93Thr; replaces alanine 93 with threonine.
Molecular consequence: missense variant.
Genome position (GRCh38, 1-based): chr17:44,260,707, C>T on the plus strand (G>A on the coding strand, the complement: SLC4A1 is on the minus strand). VCF-style: chr17-44260707-C-T. GRCh37 (hg19) VCF-style: chr17-42338075-C-T.
Other names: short protein forms A93T.
Identifiers: ClinVar variation 2647830 (VCV002647830.24), dbSNP rs145054469, ClinGen allele CA399796122.